The following is an entry in ClinVar:

ClinVar aggregate classification (germline): Uncertain significance. Review status: criteria provided, single submitter (1 of 4 stars). 2 submissions from 2 submitters: Uncertain significance (1). 1 of the submissions does not count toward it. Last evaluated 2026-01-06.

Conditions:
KIDINS220-related disorder. Also called: KIDINS220-related condition.

Allele frequency attached by ClinVar (database versions not stated): ExAC 0.00002; gnomAD 0.00003; gnomAD exomes 0.00003; TOPMed 0.00004.
gnomAD v4.1: 49 of 1,614,050 alleles (0.003%); highest among the groups gnomAD compares: East Asian, 0.0067%; no homozygotes.

Submissions (2):

Labcorp Genetics (formerly Invitae), Labcorp
Classification: Uncertain significance. Last evaluated: 2026-01-06. Review status: criteria provided, single submitter. Criteria: Invitae Variant Classification Sherloc (09022015). Collection method: clinical testing. Allele origin: germline.
Comment: This sequence change replaces arginine, which is basic and polar, with glutamine, which is neutral and polar, at codon 1642 of the KIDINS220 protein (p.Arg1642Gln). This variant is present in population databases (rs769746944, gnomAD 0.005%). This variant has not been reported in the literature in individuals affected with KIDINS220-related conditions. ClinVar contains an entry for this variant (Variation ID: 1979254). An algorithm developed to predict the effect of missense changes on protein structure and function (PolyPhen-2) suggests that this variant is likely to be disruptive. In summary, the available evidence is currently insufficient to determine the role of this variant in disease. Therefore, it has been classified as a Variant of Uncertain Significance.

PreventionGenetics, part of Exact Sciences
Classification: Uncertain significance for KIDINS220-related condition. Last evaluated: 2024-07-10. Review status: no assertion criteria provided. Collection method: clinical testing. Allele origin: germline. Not counted in ClinVar's aggregate classification.
Comment: The KIDINS220 c.4925G>A variant is predicted to result in the amino acid substitution p.Arg1642Gln. To our knowledge, this variant has not been reported in the literature. This variant is reported in 0.0051% of alleles in individuals of East Asian descent in gnomAD. At this time, the clinical significance of this variant is uncertain due to the absence of conclusive functional and genetic evidence.

NM_020738.4(KIDINS220):c.4925G>A (p.Arg1642Gln)

Gene: KIDINS220 (kinase D interacting substrate 220; minus strand). Cytogenetic location: 2p25.1.
Variant type: single nucleotide variant.
Coding change: c.4925G>A on transcript NM_020738.4 (MANE Select); coding-DNA position 4925, G replaced by A.
Protein change: p.Arg1642Gln; replaces arginine 1642 with glutamine.
Molecular consequence: missense variant. On other transcripts: intron variant (6).
Genome position (GRCh38, 1-based): chr2:8,731,111, C>T on the plus strand (G>A on the coding strand, the complement: KIDINS220 is on the minus strand). VCF-style: chr2-8731111-C-T. GRCh37 (hg19) VCF-style: chr2-8871241-C-T.
Other names: c.4928G>A, p.Arg1643Gln (NM_001348729.2); c.4871G>A, p.Arg1624Gln (NM_001348731.2); c.4868G>A, p.Arg1623Gln (NM_001348732.2); c.4757G>A, p.Arg1586Gln (NM_001348734.2); c.4754G>A, p.Arg1585Gln (NM_001348735.2); c.4628G>A, p.Arg1543Gln (NM_001348736.2); c.3882+2333G>A (NM_001348741.2, NM_001348742.2, NM_001348743.2); c.3996+2333G>A (NM_001348738.2); and 2 more; short protein forms R1585Q, R1643Q, R1543Q, R1623Q, R1624Q, R1586Q, R1642Q.
Identifiers: ClinVar variation 1979254 (VCV001979254.6), dbSNP rs769746944, ClinGen allele CA1519282.